The following is an entry in ClinVar:

ClinVar aggregate classification (germline): Uncertain significance. Review status: criteria provided, multiple submitters, no conflicts (2 of 4 stars). 2 submissions from 2 submitters: Uncertain significance (2). Last evaluated 2025-11-10.

Conditions:
Kabuki syndrome 1 (KABUK1). Also called: KMT2D-Related Kabuki Syndrome. Identifiers: Orphanet 2322, MedGen CN030661, MONDO:0007843, OMIM 147920.
Kabuki syndrome. Also called: Kabuki make-up syndrome; NIIKAWA-KUROKI SYNDROME. Identifiers: Orphanet 2322, MedGen C0796004, MONDO:0016512.

gnomAD v4.1: 4 of 1,613,932 alleles (0.00025%); highest among the groups gnomAD compares: East Asian, 0.0045%; no homozygotes.

Submissions (2):

Dasa
Classification: Uncertain significance for Kabuki syndrome 1. Last evaluated: 2025-11-10. Review status: criteria provided, single submitter. Criteria: DASA Assertion Criteria. Collection method: clinical testing. Allele origin: germline.
Comment: NM_003482.4(KMT2D):c.3700G>A (p.Gly1234Arg) is a missense variant that results in the substitution of glycine with arginine. This variant is rare in population databases. The currently available literature and clinical evidence are not sufficient to establish a definitive association between this variant and the reported condition. Therefore, this variant is classified as a variant of uncertain significance.

Labcorp Genetics (formerly Invitae), Labcorp
Classification: Uncertain significance for Kabuki syndrome. Last evaluated: 2024-10-30. Review status: criteria provided, single submitter. Criteria: Invitae Variant Classification Sherloc (09022015). Collection method: clinical testing. Allele origin: germline.
Comment: This sequence change replaces glycine, which is neutral and non-polar, with arginine, which is basic and polar, at codon 1234 of the KMT2D protein (p.Gly1234Arg). This variant is present in population databases (no rsID available, gnomAD 0.006%). This variant has not been reported in the literature in individuals affected with KMT2D-related conditions. Invitae Evidence Modeling of protein sequence and biophysical properties (such as structural, functional, and spatial information, amino acid conservation, physicochemical variation, residue mobility, and thermodynamic stability) indicates that this missense variant is not expected to disrupt KMT2D protein function with a negative predictive value of 95%. In summary, the available evidence is currently insufficient to determine the role of this variant in disease. Therefore, it has been classified as a Variant of Uncertain Significance.

NM_003482.4(KMT2D):c.3700G>A (p.Gly1234Arg)

Genes: KMT2D (lysine methyltransferase 2D; minus strand), LOC126861520 (CDK7 strongly-dependent group 2 enhancer GRCh37_chr12:49442744-49443943; plus strand). Cytogenetic location: 12q13.12.
Variant type: single nucleotide variant.
Coding change: c.3700G>A on transcript NM_003482.4 (MANE Select); coding-DNA position 3700, G replaced by A.
Protein change: p.Gly1234Arg; replaces glycine 1234 with arginine.
Molecular consequence: missense variant.
Genome position (GRCh38, 1-based): chr12:49,049,888, C>T on the plus strand (G>A on the coding strand, the complement: KMT2D is on the minus strand). VCF-style: chr12-49049888-C-T. GRCh37 (hg19) VCF-style: chr12-49443671-C-T.
Other names: short protein forms G1234R.
Identifiers: ClinVar variation 3698010 (VCV003698010.4).
Genomic context (GRCh38, chr12:49,049,888, plus strand): 5'-CATCTCGGGCTGGACTAACATCCGTAGAGACCCCCAACTCCATGGACAGGGAGCCACCCC[C>T]CTCCGGGTCTGGAGAGCCCAGGAGGGGCTCTGAGCCAGGAAAACTGGCACTGGCATCACC-3'
Protein context (NP_003473.3, residues 1224-1244): EPLLGSPDPE[Gly1234Arg]GGSLSMELGV